The following is an entry in ClinVar:

NM_002016.2(FLG):c.7620G>T (p.Arg2540=)

Genes: CCDST (cervical cancer associated DHX9 suppressive transcript; plus strand), FLG (filaggrin; minus strand). Cytogenetic location: 1q21.3.
Variant type: single nucleotide variant.
Coding change: c.7620G>T on transcript NM_002016.2 (MANE Select); coding-DNA position 7620, G replaced by T.
Protein change: p.Arg2540=; no amino-acid change (arginine 2540 retained).
Molecular consequence: synonymous variant.
Genome position (GRCh38, 1-based): chr1:152,307,266, C>A on the plus strand (G>T on the coding strand, the complement: FLG is on the minus strand). VCF-style: chr1-152307266-C-A. GRCh37 (hg19) VCF-style: chr1-152279742-C-A.
Identifiers: ClinVar variation 2639264 (VCV002639264.24), dbSNP rs559407188, ClinGen allele CA1104630.

ClinVar aggregate classification (germline): Likely benign (1 of 4 stars; one submission).

Allele frequency attached by ClinVar (database versions not stated): ExAC 0.00016; 1000 Genomes Project 0.00479.
gnomAD v4.1: 34 of 1,607,002 alleles (0.0021%); highest among the groups gnomAD compares: South Asian, 0.0066%; no homozygotes.

Submission:

CeGaT Center for Human Genetics Tuebingen
Classification: Likely benign. Last evaluated: 2026-07-01. Review status: criteria provided, single submitter. Criteria: CeGaT Center For Human Genetics Tuebingen Variant Classification Criteria Version 2. Collection method: clinical testing. Allele origin: germline. Affected: yes. Observed: 6 variant alleles.
Comment: FLG: BP4, BP7